The following is an entry in ClinVar:

NM_015426.5(POC1A):c.241C>T (p.Arg81Ter)

Gene: POC1A (POC1 centriolar protein A; minus strand). Cytogenetic location: 3p21.2.
Variant type: single nucleotide variant.
Coding change: c.241C>T on transcript NM_015426.5 (MANE Select); coding-DNA position 241, C replaced by T.
Protein change: p.Arg81Ter; replaces arginine 81 with a stop codon.
Molecular consequence: nonsense.
Genome position (GRCh38, 1-based): chr3:52,149,850, G>A on the plus strand (C>T on the coding strand, the complement: POC1A is on the minus strand). VCF-style: chr3-52149850-G-A. GRCh37 (hg19) VCF-style: chr3-52183866-G-A.
Other names: c.241C>T, p.Arg81Ter (NM_001161580.2); c.127C>T, p.Arg43Ter (NM_001161581.2); short protein forms R81*, R43*.
Identifiers: ClinVar variation 37062 (VCV000037062.22), dbSNP rs397514487, ClinGen allele CA130053.

ClinVar aggregate classification (germline): Pathogenic. Review status: criteria provided, multiple submitters, no conflicts (2 of 4 stars). 10 submissions from 9 submitters: Pathogenic (8). 2 of the submissions do not count toward it. Last evaluated 2025-09-10.

Conditions:
POC1A-related disorder. Also called: POC1A-related condition.
Short stature-onychodysplasia-facial dysmorphism-hypotrichosis syndrome. Also called: SOFT SYNDROME; Short stature, onychodysplasia, facial dysmorphism, and hypotrichosis. Identifiers: Orphanet 314394, MedGen C3542022, MONDO:0013894, OMIM 614813.
Ateleiotic dwarfism (IGHD1A). Also called: Isolated growth hormone deficiency type 1A; Growth hormone deficiency, isolated autosomal recessive; ILLIG type growth hormone deficiency; Pituitary dwarfism 1; IGHD IA; PITUITARY DWARFISM I. Identifiers: Orphanet 231662, Orphanet 631, MedGen C0342573, MONDO:0009876, OMIM 262400.

Allele frequency attached by ClinVar (database versions not stated): gnomAD 0.00001.
gnomAD v4.1: 11 of 1,613,784 alleles (0.00068%); highest among the groups gnomAD compares: African/African-American, 0.0013%; no homozygotes.

Submissions (10):

Genomic Medicine Center of Excellence, King Faisal Specialist Hospital and Research Centre
Classification: Pathogenic for Short stature-onychodysplasia-facial dysmorphism-hypotrichosis syndrome. Last evaluated: 2025-09-10. Review status: criteria provided, single submitter. Criteria: ACMG Guidelines, 2015. Collection method: clinical testing. Allele origin: germline.

Women's Health and Genetics/Laboratory Corporation of America, LabCorp
Classification: Pathogenic for Short stature-onychodysplasia-facial dysmorphism-hypotrichosis syndrome. Last evaluated: 2024-10-23. Review status: criteria provided, single submitter. Criteria: LabCorp Variant Classification Summary - May 2015. Collection method: clinical testing. Allele origin: germline.
Comment: Variant summary: POC1A c.241C>T (p.Arg81X) results in a premature termination codon, predicted to cause a truncation of the encoded protein or absence of the protein due to nonsense mediated decay, which are commonly known mechanisms for disease. The variant was absent in 250974 control chromosomes (gnomAD). c.241C>T has been reported in the literature in individuals affected with Short stature-onychodysplasia-facial dysmorphism-hypotrichosis syndrome (Min Ko_2016, Maddirevula_2020). These data indicate that the variant is likely to be associated with disease. To our knowledge, no experimental evidence demonstrating an impact on protein function has been reported. The following publications have been ascertained in the context of this evaluation (PMID: 32552793, 26791357). ClinVar contains an entry for this variant (Variation ID: 37062). Based on the evidence outlined above, the variant was classified as pathogenic.

Labcorp Genetics (formerly Invitae), Labcorp
Classification: Pathogenic. Last evaluated: 2024-09-06. Review status: criteria provided, single submitter. Criteria: Invitae Variant Classification Sherloc (09022015). Collection method: clinical testing. Allele origin: germline.
Comment: This sequence change creates a premature translational stop signal (p.Arg81*) in the POC1A gene. It is expected to result in an absent or disrupted protein product. Loss-of-function variants in POC1A are known to be pathogenic (PMID: 22840364, 26336158, 26374189). This variant is present in population databases (rs397514487, gnomAD 0.01%). This premature translational stop signal has been observed in individuals with SOFT syndrome (PMID: 22840364, 26791357). ClinVar contains an entry for this variant (Variation ID: 37062). Algorithms developed to predict the effect of sequence changes on RNA splicing suggest that this variant may disrupt the consensus splice site. For these reasons, this variant has been classified as Pathogenic.

Neuberg Centre For Genomic Medicine, NCGM
Classification: Pathogenic for Short stature-onychodysplasia-facial dysmorphism-hypotrichosis syndrome. Last evaluated: 2023-05-20. Review status: criteria provided, single submitter. Criteria: ACMG Guidelines, 2015. Collection method: clinical testing. Allele origin: germline. Inheritance: Autosomal recessive inheritance. Affected: yes.
Comment: The observed stop gained variant c.241C>T(p.Arg81Ter) in POC1A gene has been reported previously in homozygous and compound heterozygous state in individuals with SOFT syndrome (Mericq V, et al., 2022, Ko JM, et al., 2016). The c.241C>T variant has 0.003% allele frequency in gnomAD Exomes. This variant has been submitted to the ClinVar database as Likely Pathogenic / Pathogenic (multiple submissions). Computational evidence (Mutation Taster - Disease causing) predicts damaging effect on protein structure and function for this variant. This variant is predicted to cause loss of normal protein function through protein truncation. Loss of function variants have been previously reported to be disease causing (Barraza-García J, et al., 2016). For these reasons, this variant has been classified as Pathogenic.

Blueprint Genetics
Classification: Pathogenic for POC1A-related disorders. Last evaluated: 2020-06-16. Review status: criteria provided, single submitter. Criteria: ACMG Guidelines, 2015. Collection method: clinical testing. Allele origin: germline. Affected: yes. Observed: 3 variant alleles.

GeneDx
Classification: Pathogenic. Last evaluated: 2019-07-11. Review status: criteria provided, single submitter. Criteria: GeneDx Variant Classification Process June 2021. Collection method: clinical testing. Allele origin: germline. Affected: yes.
Comment: Nonsense variant predicted to result in protein truncation or nonsense mediated decay in a gene for which loss-of-function is a known mechanism of disease; This variant is associated with the following publications: (PMID: 32552793, 31130284, 25558065, 26633546, 26791357, 22840364)

Genomic Research Center, Shahid Beheshti University of Medical Sciences
Classification: Pathogenic for Short stature-onychodysplasia-facial dysmorphism-hypotrichosis syndrome. Last evaluated: 2018-03-05. Review status: criteria provided, single submitter. Criteria: ACMG Guidelines, 2015. Collection method: clinical testing. Allele origin: inherited. Affected: yes. Observed: 1 variant allele.

Genomic Medicine Lab, University of California San Francisco
Classification: Pathogenic for Short stature-onychodysplasia-facial dysmorphism-hypotrichosis syndrome. Review status: criteria provided, single submitter. Criteria: ACMG Guidelines, 2015. Collection method: clinical testing. Allele origin: biparental. Study: CSER.

Genomic Medicine Center of Excellence, King Faisal Specialist Hospital and Research Centre
Classification: Likely pathogenic for Primordial dwarfism. Last evaluated: 2014-12-01. Review status: no assertion criteria provided. Criteria: research. Collection method: research. Allele origin: germline. Affected: yes. Not counted in ClinVar's aggregate classification.

OMIM
Classification: Pathogenic for SHORT STATURE, ONYCHODYSPLASIA, FACIAL DYSMORPHISM, AND HYPOTRICHOSIS. Last evaluated: 2012-08-10. Review status: no assertion criteria provided. Collection method: literature only. Allele origin: germline. Not counted in ClinVar's aggregate classification.

Literature cited by the submitters: PubMed 32552793 (cited by Women's Health and Genetics/Laboratory Corporation of America, LabCorp); PubMed 26791357 (cited by Women's Health and Genetics/Laboratory Corporation of America, LabCorp and Labcorp Genetics (formerly Invitae), Labcorp); PubMed 22840364 (cited by Labcorp Genetics (formerly Invitae), Labcorp and OMIM); PubMed 26336158 (cited by Labcorp Genetics (formerly Invitae), Labcorp); PubMed 26374189 (cited by Labcorp Genetics (formerly Invitae), Labcorp); PubMed 25558065 (cited by Genomic Medicine Center of Excellence, King Faisal Specialist Hospital and Research Centre).